The following is an entry in ClinVar:

NM_003242.6(TGFBR2):c.218T>A (p.Ile73Asn)

Gene: TGFBR2 (transforming growth factor beta receptor 2; plus strand). Cytogenetic location: 3p24.1.
Variant type: single nucleotide variant.
Coding change: c.218T>A on transcript NM_003242.6 (MANE Select); coding-DNA position 218, T replaced by A.
Protein change: p.Ile73Asn; replaces isoleucine 73 with asparagine.
Molecular consequence: missense variant. On other transcripts: intron variant (2).
Genome position (GRCh38, 1-based): chr3:30,644,870, T>A. VCF-style: chr3-30644870-T-A. GRCh37 (hg19) VCF-style: chr3-30686362-T-A.
Other names: c.218T>A (NM_003242.5); c.113T>A, p.Ile38Asn (NM_001407129.1, NM_001407132.1, NM_001407133.1 and 3 more transcripts); c.218T>A, p.Ile73Asn (NM_001407130.1, NM_001407127.1); c.293T>A, p.Ile98Asn (NM_001407139.1, NM_001024847.3, NM_001407126.1); c.169+21597T>A (NM_001407137.1); c.95-26768T>A (NM_001407138.1); c.245T>A, p.Ile82Asn (NM_001407128.1); short protein forms I38N, I73N, I82N, I98N.
Identifiers: ClinVar variation 4801604 (VCV004801604.2).

ClinVar aggregate classification (germline): Uncertain significance. Review status: criteria provided, multiple submitters, no conflicts (2 of 4 stars). 2 submissions from 2 submitters: Uncertain significance (2). Last evaluated 2026-02-16.

Conditions:
Familial thoracic aortic aneurysm and aortic dissection (TAAD). Also called: Thoracic aortic aneurysms and dissections. Identifiers: Orphanet 91387, MedGen C4707243, MONDO:0019625.

Submissions (2):

Ambry Genetics
Classification: Uncertain significance for Familial thoracic aortic aneurysm and aortic dissection. Last evaluated: 2026-02-16. Review status: criteria provided, single submitter. Criteria: Ambry Variant Classification Scheme 2023. Collection method: clinical testing. Allele origin: germline.
Comment: The p.I73N variant (also known as c.218T>A), located in coding exon 2 of the TGFBR2 gene, results from a T to A substitution at nucleotide position 218. The isoleucine at codon 73 is replaced by asparagine, an amino acid with dissimilar properties. This amino acid position is well conserved in available vertebrate species. In addition, the in silico prediction for this alteration is inconclusive. Based on the available evidence, the clinical significance of this variant remains unclear.

Labcorp Genetics (formerly Invitae), Labcorp
Classification: Uncertain significance for Familial thoracic aortic aneurysm and aortic dissection. Last evaluated: 2025-06-03. Review status: criteria provided, single submitter. Criteria: Invitae Variant Classification Sherloc (09022015). Collection method: clinical testing. Allele origin: germline.
Comment: This sequence change replaces isoleucine, which is neutral and non-polar, with asparagine, which is neutral and polar, at codon 73 of the TGFBR2 protein (p.Ile73Asn). This variant is not present in population databases (gnomAD no frequency). This missense change has been observed in individual(s) with TGFBR2-related conditions (internal data). Invitae Evidence Modeling of protein sequence and biophysical properties (such as structural, functional, and spatial information, amino acid conservation, physicochemical variation, residue mobility, and thermodynamic stability) indicates that this missense variant is not expected to disrupt TGFBR2 protein function with a negative predictive value of 95%. In summary, the available evidence is currently insufficient to determine the role of this variant in disease. Therefore, it has been classified as a Variant of Uncertain Significance.